The following is an entry in ClinVar:

ClinVar aggregate classification (germline): Uncertain significance (1 of 4 stars; one submission).

Submission:

Labcorp Genetics (formerly Invitae), Labcorp
Classification: Uncertain significance. Last evaluated: 2025-12-16. Review status: criteria provided, single submitter. Criteria: Invitae Variant Classification Sherloc (09022015). Collection method: clinical testing. Allele origin: germline.
Comment: This sequence change replaces serine, which is neutral and polar, with glycine, which is neutral and non-polar, at codon 531 of the KIDINS220 protein (p.Ser531Gly). This variant is not present in population databases (gnomAD no frequency). This variant has not been reported in the literature in individuals affected with KIDINS220-related conditions. An algorithm developed to predict the effect of missense changes on protein structure and function (PolyPhen-2) suggests that this variant is likely to be disruptive. In summary, the available evidence is currently insufficient to determine the role of this variant in disease. Therefore, it has been classified as a Variant of Uncertain Significance.

NM_020738.4(KIDINS220):c.1591A>G (p.Ser531Gly)

Gene: KIDINS220 (kinase D interacting substrate 220; minus strand). Cytogenetic location: 2p25.1.
Variant type: single nucleotide variant.
Coding change: c.1591A>G on transcript NM_020738.4 (MANE Select); coding-DNA position 1591, A replaced by G.
Protein change: p.Ser531Gly; replaces serine 531 with glycine.
Molecular consequence: missense variant. On other transcripts: non-coding transcript variant (2).
Genome position (GRCh38, 1-based): chr2:8,789,910, T>C on the plus strand (A>G on the coding strand, the complement: KIDINS220 is on the minus strand). VCF-style: chr2-8789910-T-C. GRCh37 (hg19) VCF-style: chr2-8930040-T-C.
Other names: c.1594A>G, p.Ser532Gly (NM_001348729.2, NM_001348731.2, NM_001348734.2 and 3 more transcripts); c.1591A>G, p.Ser531Gly (NM_001348732.2, NM_001348735.2, NM_001348738.2 and 3 more transcripts); c.1465A>G, p.Ser489Gly (NM_001348736.2); short protein forms S531G, S532G, S489G.
Identifiers: ClinVar variation 4723971 (VCV004723971.1).